The following is an entry in ClinVar:

ClinVar aggregate classification (germline): Uncertain significance (1 of 4 stars; one submission).

Conditions:
Duchenne muscular dystrophy (DMD). Also called: MUSCULAR DYSTROPHY, PSEUDOHYPERTROPHIC PROGRESSIVE, DUCHENNE TYPE; Duchenne Muscular Dystrophy (DMD). Identifiers: Orphanet 98896, MedGen C0013264, MONDO:0010679, OMIM 310200.

Allele frequency attached by ClinVar (database versions not stated): ExAC 0.00001; gnomAD 0.00003; TOPMed 0.00003.
gnomAD v4.1: 5 of 1,209,283 alleles (0.00041%); highest among the groups gnomAD compares: Admixed American, 0.0087%; no homozygotes.

Submission:

Labcorp Genetics (formerly Invitae), Labcorp
Classification: Uncertain significance for Duchenne muscular dystrophy. Last evaluated: 2025-01-13. Review status: criteria provided, single submitter. Criteria: Invitae Variant Classification Sherloc (09022015). Collection method: clinical testing. Allele origin: germline.
Comment: This sequence change replaces lysine, which is basic and polar, with threonine, which is neutral and polar, at codon 760 of the DMD protein (p.Lys760Thr). This variant is present in population databases (rs755326440, gnomAD 0.008%). This variant has not been reported in the literature in individuals affected with DMD-related conditions. ClinVar contains an entry for this variant (Variation ID: 2141834). Invitae Evidence Modeling of protein sequence and biophysical properties (such as structural, functional, and spatial information, amino acid conservation, physicochemical variation, residue mobility, and thermodynamic stability) indicates that this missense variant is not expected to disrupt DMD protein function with a negative predictive value of 95%. In summary, the available evidence is currently insufficient to determine the role of this variant in disease. Therefore, it has been classified as a Variant of Uncertain Significance.

NM_004006.3(DMD):c.2279A>C (p.Lys760Thr)

Gene: DMD (dystrophin; minus strand). Cytogenetic location: Xp21.1.
Variant type: single nucleotide variant.
Coding change: c.2279A>C on transcript NM_004006.3 (MANE Select); coding-DNA position 2279, A replaced by C.
Protein change: p.Lys760Thr; replaces lysine 760 with threonine.
Molecular consequence: missense variant.
Genome position (GRCh38, 1-based): chrX:32,518,021, T>G on the plus strand (A>C on the coding strand, the complement: DMD is on the minus strand). VCF-style: chrX-32518021-T-G. GRCh37 (hg19) VCF-style: chrX-32536138-T-G.
Other names: c.2255A>C, p.Lys752Thr (NM_000109.4); c.2267A>C, p.Lys756Thr (NM_004009.3); c.1910A>C, p.Lys637Thr (NM_004010.3); short protein forms K752T, K756T, K760T, K637T.
Identifiers: ClinVar variation 2141834 (VCV002141834.2), dbSNP rs755326440, ClinGen allele CA10379589.